The following is an entry in ClinVar:

NM_000535.7(PMS2):c.698A>G (p.Gln233Arg)

Gene: PMS2 (PMS1 homolog 2, mismatch repair system component; minus strand). Cytogenetic location: 7p22.1.
Variant type: single nucleotide variant.
Coding change: c.698A>G on transcript NM_000535.7 (MANE Select); coding-DNA position 698, A replaced by G.
Protein change: p.Gln233Arg; replaces glutamine 233 with arginine.
Molecular consequence: missense variant. On other transcripts: 5 prime UTR variant (2), non-coding transcript variant (1), intron variant (1).
Genome position (GRCh38, 1-based): chr7:5,999,115, T>C on the plus strand (A>G on the coding strand, the complement: PMS2 is on the minus strand). VCF-style: chr7-5999115-T-C. GRCh37 (hg19) VCF-style: chr7-6038746-T-C.
Other names: c.293A>G, p.Gln98Arg (NM_001322003.2, NM_001322004.2, NM_001322005.2 and 2 more transcripts); c.698A>G, p.Gln233Arg (NM_001322006.2, NM_001322014.2); c.380A>G, p.Gln127Arg (NM_001322007.2, NM_001322008.2); c.-236A>G (NM_001322011.2, NM_001322012.2); c.389A>G, p.Gln130Arg (NM_001322015.2); c.133-1692A>G (NM_001322013.2); short protein forms Q127R, Q130R, Q233R, Q98R.
Identifiers: ClinVar variation 1017512 (VCV001017512.8), dbSNP rs1784786188, ClinGen allele CA366743824.

ClinVar aggregate classification (germline): Uncertain significance (1 of 4 stars; one submission).

Conditions:
Hereditary nonpolyposis colorectal neoplasms. Identifiers: MedGen C0009405, MeSH D003123.

Submission:

Labcorp Genetics (formerly Invitae), Labcorp
Classification: Uncertain significance for Hereditary nonpolyposis colorectal neoplasms. Last evaluated: 2023-10-13. Review status: criteria provided, single submitter. Criteria: Invitae Variant Classification Sherloc (09022015). Collection method: clinical testing. Allele origin: germline.
Comment: This sequence change replaces glutamine, which is neutral and polar, with arginine, which is basic and polar, at codon 233 of the PMS2 protein (p.Gln233Arg). This variant is not present in population databases (gnomAD no frequency). This variant has not been reported in the literature in individuals affected with PMS2-related conditions. ClinVar contains an entry for this variant (Variation ID: 1017512). Advanced modeling of protein sequence and biophysical properties (such as structural, functional, and spatial information, amino acid conservation, physicochemical variation, residue mobility, and thermodynamic stability) performed at Invitae indicates that this missense variant is expected to disrupt PMS2 protein function. In summary, the available evidence is currently insufficient to determine the role of this variant in disease. Therefore, it has been classified as a Variant of Uncertain Significance.